The following is an entry in ClinVar:

NM_182645.3(VGLL2):c.39T>G (p.Pro13=)

Gene: VGLL2 (vestigial like family member 2; plus strand). Cytogenetic location: 6q22.1.
Variant type: single nucleotide variant.
Coding change: c.39T>G on transcript NM_182645.3 (MANE Select); coding-DNA position 39, T replaced by G.
Protein change: p.Pro13=; no amino-acid change (proline 13 retained).
Molecular consequence: synonymous variant.
Genome position (GRCh38, 1-based): chr6:117,265,802, T>G. VCF-style: chr6-117265802-T-G. GRCh37 (hg19) VCF-style: chr6-117586965-T-G.
Other names: c.39T>G, p.Pro13= (NM_153453.1).
Identifiers: ClinVar variation 4085606 (VCV004085606.8).

ClinVar aggregate classification (germline): Likely benign (1 of 4 stars; one submission).

gnomAD v4.1: 1 of 1,614,184 alleles (0.000062%); highest among the groups gnomAD compares: Non-Finnish European, 0.000085%; no homozygotes.

Submission:

CeGaT Center for Human Genetics Tuebingen
Classification: Likely benign. Last evaluated: 2025-07-01. Review status: criteria provided, single submitter. Criteria: CeGaT Center For Human Genetics Tuebingen Variant Classification Criteria Version 2. Collection method: clinical testing. Allele origin: germline. Affected: yes. Observed: 1 variant allele.
Comment: VGLL2: BP4, BP7